The following is an entry in ClinVar:

ClinVar aggregate classification (germline): Likely pathogenic (1 of 4 stars; one submission).

Conditions:
Inborn genetic diseases. Identifiers: MedGen C0950123, MeSH D030342.

Submission:

Ambry Genetics
Classification: Likely pathogenic for Inborn genetic diseases. Last evaluated: 2023-09-19. Review status: criteria provided, single submitter. Criteria: Ambry Variant Classification Scheme 2023. Collection method: clinical testing. Allele origin: germline.
Comment: The c.4310G>A (p.R1437H) alteration is located in exon 27 (coding exon 26) of the PRPF8 gene. This alteration results from a G to A substitution at nucleotide position 4310, causing the arginine (R) at amino acid position 1437 to be replaced by a histidine (H). for PRPF8-related neurodevelopmental disroder; however, its clinical significance for PRPF8-related retinitis pigmentosa is uncertain. This variant was not reported in population-based cohorts in the Genome Aggregation Database (gnomAD). This amino acid position is highly conserved in available vertebrate species. This missense alteration is located in a region that has a low rate of benign missense variation (Lek, 2016; Firth, 2009). The in silico prediction for this alteration is inconclusive. Based on the available evidence, this alteration is classified as likely pathogenic.

NM_006445.4(PRPF8):c.4310G>A (p.Arg1437His)

Gene: PRPF8 (pre-mRNA processing factor 8; minus strand). Cytogenetic location: 17p13.3.
Variant type: single nucleotide variant.
Coding change: c.4310G>A on transcript NM_006445.4 (MANE Select); coding-DNA position 4310, G replaced by A.
Protein change: p.Arg1437His; replaces arginine 1437 with histidine.
Molecular consequence: missense variant.
Genome position (GRCh38, 1-based): chr17:1,661,299, C>T on the plus strand (G>A on the coding strand, the complement: PRPF8 is on the minus strand). VCF-style: chr17-1661299-C-T. GRCh37 (hg19) VCF-style: chr17-1564593-C-T.
Other names: short protein forms R1437H.
Identifiers: ClinVar variation 3219215 (VCV003219215.1), dbSNP rs2543734076, ClinGen allele CA397577274.